The following is an entry in ClinVar:

NM_030632.3(ASXL3):c.1389_1390del (p.Cys463_Glu464delinsTer)

Gene: ASXL3 (ASXL transcriptional regulator 3; plus strand). Cytogenetic location: 18q12.1.
Variant type: Microsatellite.
Coding change: c.1389_1390del on transcript NM_030632.3 (MANE Select); coding-DNA positions 1389 to 1390, 2 bases deleted (TG; older notation c.1389_1390delTG).
Protein change: p.Cys463_Glu464delinsTer.
Molecular consequence: nonsense.
Genome position (GRCh38, 1-based): chr18:33,738,793-33,738,794, TG deleted; deleting any 2 consecutive bases within chr18:33,738,791-33,738,794 gives the same sequence; the c. name uses the placement nearest the transcript's 3' end. VCF-style (leftmost placement, unchanged base first): chr18-33738790-CTG-C. GRCh37 (hg19) VCF-style: chr18-31318754-CTG-C.
Other names: c.1389_1390delTG (NM_030632.1).
Identifiers: ClinVar variation 985164 (VCV000985164.5), dbSNP rs2067594520, ClinGen allele CA2294855685.

ClinVar aggregate classification (germline): Pathogenic. Review status: criteria provided, multiple submitters, no conflicts (2 of 4 stars). 2 submissions from 2 submitters: Pathogenic (2). Last evaluated 2022-05-03.

Conditions:
Inborn genetic diseases. Identifiers: MedGen C0950123, MeSH D030342.

Submissions (2):

GeneDx
Classification: Pathogenic. Last evaluated: 2022-05-03. Review status: criteria provided, single submitter. Criteria: GeneDx Variant Classification Process June 2021. Collection method: clinical testing. Allele origin: germline. Affected: yes.
Comment: Nonsense variant predicted to result in protein truncation or nonsense mediated decay in a gene for which loss of function is a known mechanism of disease; Not observed at significant frequency in large population cohorts (gnomAD); This variant is associated with the following publications: (PMID: 31872981)

Ambry Genetics
Classification: Pathogenic for Inborn genetic diseases. Last evaluated: 2018-01-22. Review status: criteria provided, single submitter. Criteria: Ambry exome assertion method (8-5-2015). Collection method: clinical testing. Allele origin: germline. Affected: yes. Observed: 1 variant allele.